The following is an entry in ClinVar:

NM_007194.4(CHEK2):c.683+4A>G

Gene: CHEK2 (checkpoint kinase 2; minus strand). Cytogenetic location: 22q12.1.
Variant type: single nucleotide variant.
Coding change: c.683+4A>G on transcript NM_007194.4 (MANE Select); 4 bases into the intron after coding-DNA position 683, A replaced by G.
Molecular consequence: intron variant.
Genome position (GRCh38, 1-based): chr22:28,719,391, T>C on the plus strand (A>G on the coding strand, the complement: CHEK2 is on the minus strand). VCF-style: chr22-28719391-T-C. GRCh37 (hg19) VCF-style: chr22-29115379-T-C.
Other names: c.20+4A>G (NM_001437942.1, NM_001257387.3); c.482+5495A>G (NM_001349956.3); c.683+4A>G (NM_145862.3); c.776+4A>G (NM_001438295.1, NM_001438293.1); c.812+4A>G (NM_001438294.1, NM_001005735.3).
Identifiers: ClinVar variation 422027 (VCV000422027.11), dbSNP rs1064795509, ClinGen allele CA16621073.
Genomic context (GRCh38, chr22:28,719,391, plus strand): 5'-GAAACCACCAATCACAAATGTATAGTGAAAAAATTAAGTGCATTTATATAAGAAAATAAT[T>C]TACCTTCCAAGAGTTTTTGACATGATGTATTCATCTCTTAATGCCTTAGGATAAACTGAC-3'

ClinVar aggregate classification (germline): Uncertain significance. Review status: criteria provided, multiple submitters, no conflicts (2 of 4 stars). 3 submissions from 3 submitters: Uncertain significance (3). Last evaluated 2025-12-02.

Conditions:
Hereditary cancer-predisposing syndrome. Also called: Hereditary neoplastic syndrome; Neoplastic Syndromes, Hereditary; Tumor predisposition; Hereditary Cancer Syndrome. Identifiers: Orphanet 140162, MedGen C0027672, MeSH D009386, MONDO:0015356.
Familial cancer of breast. Also called: Hereditary breast cancer; BREAST CANCER, FAMILIAL; hereditary breast carcinoma. Identifiers: Orphanet 227535, MedGen C0346153, MONDO:0016419, OMIM 114480. Disease mechanism: loss of function.

Submissions (3):

Labcorp Genetics (formerly Invitae), Labcorp
Classification: Uncertain significance for Familial cancer of breast. Last evaluated: 2025-12-02. Review status: criteria provided, single submitter. Criteria: Invitae Variant Classification Sherloc (09022015). Collection method: clinical testing. Allele origin: germline.
Comment: This sequence change falls in intron 5 of the CHEK2 gene. It does not directly change the encoded amino acid sequence of the CHEK2 protein. It affects a nucleotide within the consensus splice site. This variant is not present in population databases (gnomAD no frequency). This variant has not been reported in the literature in individuals affected with CHEK2-related conditions. ClinVar contains an entry for this variant (Variation ID: 422027). Variants that disrupt the consensus splice site are a relatively common cause of aberrant splicing (PMID: 17576681, 9536098). Studies have shown that this variant is associated with inconclusive levels of altered splicing (internal data). In summary, the available evidence is currently insufficient to determine the role of this variant in disease. Therefore, it has been classified as a Variant of Uncertain Significance.

Ambry Genetics
Classification: Uncertain significance for Hereditary cancer-predisposing syndrome. Last evaluated: 2023-01-10. Review status: criteria provided, single submitter. Criteria: Ambry Variant Classification Scheme 2023. Collection method: clinical testing. Allele origin: germline.
Comment: The c.683+4A>G intronic variant results from an A to G substitution 4 nucleotides after coding exon 4 in the CHEK2 gene. This nucleotide position is highly conserved in available vertebrate species. In silico splice site analysis predicts that this alteration will weaken the native splice donor site; however, direct evidence is insufficient at this time (Ambry internal data). Since supporting evidence is limited at this time, the clinical significance of this alteration remains unclear.

GeneDx
Classification: Uncertain significance. Last evaluated: 2016-08-15. Review status: criteria provided, single submitter. Criteria: GeneDx Variant Classification (06012015). Collection method: clinical testing. Allele origin: germline. Affected: yes.
Comment: This variant is denoted CHEK2 c.683+4A>G or IVS5+4A>G and consists of an A>G nucleotide substitution at the +4 position of intron 5 of the CHEK2 gene. Using alternate nomenclature, this variant would be defined as CHEK2 IVS4+4A>G. Multiple in silico models predict this variant to destroy the nearby natural donor site and to possibly cause abnormal gene splicing. However, in the absence of RNA or functional studies, the actual effect of this variant is unknown. This variant has not, to our knowledge, been published in the literature as pathogenic or benign. CHEK2 c.683+4A>G was not observed in approximately 6,500 individuals of European and African American ancestry in the NHLBI Exome Sequencing Project, suggesting it is not a common benign variant in these populations. The adenine (A) nucleotide that is altered is conserved across species. Based on currently available information, it is unclear whether CHEK2 c.683+4A>G is pathogenic or benign. We consider it to be a variant of uncertain significance.

Literature cited by the submitters: PubMed 17576681 (cited by Labcorp Genetics (formerly Invitae), Labcorp); PubMed 9536098 (cited by Labcorp Genetics (formerly Invitae), Labcorp).